The following is an entry in ClinVar:

NM_020754.4(ARHGAP31):c.1487T>C (p.Leu496Pro)

Gene: ARHGAP31 (Rho GTPase activating protein 31; plus strand). Cytogenetic location: 3q13.33.
Variant type: single nucleotide variant.
Coding change: c.1487T>C on transcript NM_020754.4 (MANE Select); coding-DNA position 1487, T replaced by C.
Protein change: p.Leu496Pro; replaces leucine 496 with proline.
Molecular consequence: missense variant.
Genome position (GRCh38, 1-based): chr3:119,402,239, T>C. VCF-style: chr3-119402239-T-C. GRCh37 (hg19) VCF-style: chr3-119121086-T-C.
Other names: c.1487T>C (NM_020754.2); short protein forms L496P.
Identifiers: ClinVar variation 1806036 (VCV001806036.2), dbSNP rs1242925466, ClinGen allele CA354039709.

ClinVar aggregate classification (germline): Uncertain significance. Review status: criteria provided, multiple submitters, no conflicts (2 of 4 stars). 2 submissions from 2 submitters: Uncertain significance (2). Last evaluated 2026-06-17.

Conditions:
Inborn genetic diseases. Identifiers: MedGen C0950123, MeSH D030342.
Adams-Oliver syndrome 1 (AOS1). Also called: ABSENCE DEFECT OF LIMBS, SCALP, AND SKULL; CONGENITAL SCALP DEFECTS WITH DISTAL LIMB REDUCTION ANOMALIES; APLASIA CUTIS CONGENITA WITH TERMINAL TRANSVERSE LIMB DEFECTS. Identifiers: Orphanet 974, MedGen C4551482, MONDO:0024506, OMIM 100300.

Allele frequency attached by ClinVar (database versions not stated): gnomAD exomes 0.00003; TOPMed below 0.00001.
gnomAD v4.1: 47 of 1,614,246 alleles (0.0029%); highest among the groups gnomAD compares: Non-Finnish European, 0.0038%; no homozygotes.

Submissions (2):

Ambry Genetics
Classification: Uncertain significance for Inborn genetic diseases. Last evaluated: 2026-06-17. Review status: criteria provided, single submitter. Criteria: Ambry Variant Classification Scheme 2023. Collection method: clinical testing. Allele origin: germline.

Victorian Clinical Genetics Services, Murdoch Childrens Research Institute
Classification: Uncertain significance for Adams-Oliver syndrome 1. Last evaluated: 2020-10-15. Review status: criteria provided, single submitter. Criteria: ACMG Guidelines, 2015. Collection method: clinical testing. Allele origin: germline. Inheritance: Autosomal dominant inheritance.
Comment: Based on the classification scheme VCGS_Germline_v1.1.1, this variant is classified as 3B-VUS. Following criteria are met: 0101 - Gain-of-function is a known mechanism of disease for this gene. (N) 0107 - This gene is known to be associated with autosomal dominant disease. (N) 0200 - Variant is predicted to result in a missense amino acid change from leucine to proline (exon 10). (N) 0251 - Variant is heterozygous. (N) 0302 - Variant is present in gnomAD <0.001 for a dominant condition (1 heterozygote, 0 homozygotes). (P) 0502 - Missense variant with conflicting in silico predictions and/or uninformative conservation. (N) 0604 - Variant is not located in an established domain, motif, hotspot or informative constraint region (NCBI, DECIPHER, PDB). (N) 0705 - No comparable variants have previous evidence for pathogenicity. (N) 0807 - Variant has not previously been reported in a clinical context. (N) 0905 - No segregation evidence has been identified for this variant. (N) 1007 - No published functional evidence has been identified for this variant. (N) 1207 - Parental origin of the variant is unresolved. (N) Legend: (P) - Pathogenic, (N) - Neutral, (B) - Benign